The following is an entry in ClinVar:

ClinVar aggregate classification (germline): risk factor (0 of 4 stars; one submission).

Conditions:
Kennedy disease (SMAX1). Also called: Spinal and Bulbar Muscular Atrophy; SPINAL AND BULBAR MUSCULAR ATROPHY, X-LINKED 1; KENNEDY SPINAL AND BULBAR MUSCULAR ATROPHY. Identifiers: Orphanet 481, MedGen C1839259, MONDO:0010735, OMIM 313200.

Submission:

GeneReviews
Classification: risk factor for Kennedy disease. Last evaluated: 2017-01-26. Review status: no assertion criteria provided. Collection method: literature only. Allele origin: germline.
Comment: CAG 36-37 repeats; these may be reduced-penetrance alleles.

Literature cited by the submitters: PubMed 11266016.

NM_000044.4(AR):c.172_174CAG(36_37) (p.Gln80_Glu81insGlnGlnGlnGlnGlnGlnGlnGlnGlnGlnGlnGlnGlnGln)

Genes: AR (androgen receptor; plus strand), LOC109504725 (androgen receptor repeat instability region; plus strand). Cytogenetic location: Xq12.
Variant type: Microsatellite.
Coding change: c.172_174CAG(36_37) on transcript NM_000044.4.
Protein change: p.Gln80_Glu81insGlnGlnGlnGlnGlnGlnGlnGlnGlnGlnGlnGlnGlnGln.
Identifiers: ClinVar variation 417976 (VCV000417976.1).